The following is an entry in ClinVar:

NM_207352.4(CYP4V2):c.739A>T (p.Met247Leu)

Gene: CYP4V2 (cytochrome P450 family 4 subfamily V member 2; plus strand). Cytogenetic location: 4q35.1.
Variant type: single nucleotide variant.
Coding change: c.739A>T on transcript NM_207352.4 (MANE Select); coding-DNA position 739, A replaced by T.
Protein change: p.Met247Leu; replaces methionine 247 with leucine.
Molecular consequence: missense variant.
Genome position (GRCh38, 1-based): chr4:186,199,021, A>T. VCF-style: chr4-186199021-A-T. GRCh37 (hg19) VCF-style: chr4-187120175-A-T.
Other names: short protein forms M247L.
Identifiers: ClinVar variation 1715573 (VCV001715573.5), dbSNP rs1579965838, ClinGen allele CA358948010.

ClinVar aggregate classification (germline): Uncertain significance (1 of 4 stars; one submission).

Submission:

Labcorp Genetics (formerly Invitae), Labcorp
Classification: Uncertain significance. Last evaluated: 2022-08-07. Review status: criteria provided, single submitter. Criteria: Invitae Variant Classification Sherloc (09022015). Collection method: clinical testing. Allele origin: germline.
Comment: This sequence change replaces methionine, which is neutral and non-polar, with leucine, which is neutral and non-polar, at codon 247 of the CYP4V2 protein (p.Met247Leu). In summary, the available evidence is currently insufficient to determine the role of this variant in disease. Therefore, it has been classified as a Variant of Uncertain Significance. Advanced modeling of protein sequence and biophysical properties (such as structural, functional, and spatial information, amino acid conservation, physicochemical variation, residue mobility, and thermodynamic stability) performed at Invitae indicates that this missense variant is not expected to disrupt CYP4V2 protein function. This variant has not been reported in the literature in individuals affected with CYP4V2-related conditions. This variant is not present in population databases (gnomAD no frequency).